The following is an entry in ClinVar:

ClinVar aggregate classification (germline): Likely benign. Review status: criteria provided, multiple submitters, no conflicts (2 of 4 stars). 4 submissions from 4 submitters: Likely benign (4). Last evaluated 2025-12-22.

Conditions:
BRCA2-related cancer predisposition. Identifiers: MedGen CN377758, MONDO:0700269.
Hereditary cancer-predisposing syndrome. Also called: Tumor predisposition; Hereditary neoplastic syndrome; Neoplastic Syndromes, Hereditary; Hereditary Cancer Syndrome. Identifiers: Orphanet 140162, MedGen C0027672, MeSH D009386, MONDO:0015356.
Hereditary breast ovarian cancer syndrome. Also called: Hereditary breast and ovarian cancer syndrome (HBOC); BRCA1- and BRCA2-Associated Hereditary Breast and Ovarian Cancer; Hereditary breast and ovarian cancer; Hereditary breast and/or ovarian cancer syndrome; Hereditary breast and ovarian cancer syndrome; Breast and ovarian cancer. Identifiers: Orphanet 145, MedGen C0677776, MeSH D061325, MONDO:0003582. Disease mechanism: loss of function.

Submissions (4):

Labcorp Genetics (formerly Invitae), Labcorp
Classification: Likely benign for Hereditary breast ovarian cancer syndrome. Last evaluated: 2025-12-22. Review status: criteria provided, single submitter. Criteria: Invitae Variant Classification Sherloc (09022015). Collection method: clinical testing. Allele origin: germline.

All of Us Research Program, National Institutes of Health
Classification: Likely benign for BRCA2-related cancer predisposition. Last evaluated: 2024-05-14. Review status: criteria provided, single submitter. Criteria: ACMG Guidelines, 2015. Collection method: clinical testing. Allele origin: germline. Inheritance: Autosomal dominant inheritance. Observed: 1 variant allele, 1 heterozygote.
Comment: This study involves interpretation of variants in research participants for the purpose of population health screening. Participant phenotype was not available at the time of variant classification. Additional details can be found in publication PMID: 35346344, PMCID: PMC8962531

Ambry Genetics
Classification: Likely benign for Hereditary cancer-predisposing syndrome. Last evaluated: 2023-11-16. Review status: criteria provided, single submitter. Criteria: Ambry Variant Classification Scheme 2023. Collection method: clinical testing. Allele origin: germline.

Women's Health and Genetics/Laboratory Corporation of America, LabCorp
Classification: Likely benign. Last evaluated: 2023-03-10. Review status: criteria provided, single submitter. Criteria: LabCorp Variant Classification Summary - May 2015. Collection method: clinical testing. Allele origin: germline.

NM_000059.4(BRCA2):c.1353C>T (p.Ser451=)

Gene: BRCA2 (BRCA2 DNA repair associated; plus strand). Cytogenetic location: 13q13.1.
Variant type: single nucleotide variant.
Coding change: c.1353C>T on transcript NM_000059.4 (MANE Select); coding-DNA position 1353, C replaced by T.
Protein change: p.Ser451=; no amino-acid change (serine 451 retained).
Molecular consequence: synonymous variant.
Genome position (GRCh38, 1-based): chr13:32,332,831, C>T. VCF-style: chr13-32332831-C-T. GRCh37 (hg19) VCF-style: chr13-32906968-C-T.
Identifiers: ClinVar variation 751169 (VCV000751169.13), dbSNP rs1593892607, ClinGen allele CA483436770.